The following is an entry in ClinVar:

ClinVar aggregate classification (germline): Uncertain significance (1 of 4 stars; one submission).

Allele frequency attached by ClinVar (database versions not stated): gnomAD exomes 0.00001; ExAC 0.00002; gnomAD 0.00003; TOPMed 0.00003; 1000 Genomes Project 30x 0.00016; 1000 Genomes Project 0.00020.
gnomAD v4.1: 11 of 1,595,566 alleles (0.00069%); highest among the groups gnomAD compares: African/African-American, 0.0067%; no homozygotes.

Submission:

Labcorp Genetics (formerly Invitae), Labcorp
Classification: Uncertain significance. Last evaluated: 2024-04-08. Review status: criteria provided, single submitter. Criteria: Invitae Variant Classification Sherloc (09022015). Collection method: clinical testing. Allele origin: germline.
Comment: This sequence change replaces lysine, which is basic and polar, with arginine, which is basic and polar, at codon 1135 of the BRD4 protein (p.Lys1135Arg). This variant is present in population databases (rs553993519, gnomAD 0.02%). This variant has not been reported in the literature in individuals affected with BRD4-related conditions. An algorithm developed to predict the effect of missense changes on protein structure and function (PolyPhen-2) suggests that this variant is likely to be tolerated. In summary, the available evidence is currently insufficient to determine the role of this variant in disease. Therefore, it has been classified as a Variant of Uncertain Significance.

NM_001379291.1(BRD4):c.3404A>G (p.Lys1135Arg)

Gene: BRD4 (bromodomain containing 4; minus strand). Cytogenetic location: 19p13.12.
Variant type: single nucleotide variant.
Coding change: c.3404A>G on transcript NM_001379291.1 (MANE Select); coding-DNA position 3404, A replaced by G.
Protein change: p.Lys1135Arg; replaces lysine 1135 with arginine.
Molecular consequence: missense variant.
Genome position (GRCh38, 1-based): chr19:15,239,700, T>C on the plus strand (A>G on the coding strand, the complement: BRD4 is on the minus strand). VCF-style: chr19-15239700-T-C. GRCh37 (hg19) VCF-style: chr19-15350511-T-C.
Other names: c.3404A>G, p.Lys1135Arg (NM_058243.3); short protein forms K1135R.
Identifiers: ClinVar variation 3016690 (VCV003016690.3), dbSNP rs553993519, ClinGen allele CA9264694.
Genomic context (GRCh38, chr19:15,239,700, plus strand): 5'-GGGCAGGGAGAGCACTCACGCTGGGGCAGGTGGACGGGGGCCTTGATGCTCTCCGGGTGC[T>C]TGGGGGGCTCCGGCCGCAGCGAGGGGCTGAAGGGCTCGCTGCGGATGATGGGTGAGTGGA-3'
Protein context (NP_001366220.1, residues 1125-1145): FSPSLRPEPP[Lys1135Arg]HPESIKAPVH